The following is an entry in ClinVar:

NM_003072.5(SMARCA4):c.4190T>A (p.Leu1397Gln)

Gene: SMARCA4 (SWI/SNF related BAF chromatin remodeling complex subunit ATPase 4; plus strand). Cytogenetic location: 19p13.2.
Variant type: single nucleotide variant.
Coding change: c.4190T>A on transcript NM_003072.5 (MANE Select); coding-DNA position 4190, T replaced by A.
Protein change: p.Leu1397Gln; replaces leucine 1397 with glutamine.
Molecular consequence: missense variant. On other transcripts: non-coding transcript variant (1).
Genome position (GRCh38, 1-based): chr19:11,041,326, T>A. VCF-style: chr19-11041326-T-A. GRCh37 (hg19) VCF-style: chr19-11152002-T-A.
Other names: c.4190T>A, p.Leu1397Gln (NM_001128844.3); c.4100T>A, p.Leu1367Gln (NM_001128845.2, NM_001128846.2); c.4091T>A, p.Leu1364Gln (NM_001128847.4, NM_001128848.2, NM_001374457.1); c.4286T>A, p.Leu1429Gln (NM_001128849.3, NM_001387283.1); c.4187T>A, p.Leu1396Gln (NM_001411150.1); short protein forms L1396Q, L1397Q, L1364Q, L1367Q, L1429Q.
Identifiers: ClinVar variation 1739383 (VCV001739383.2), dbSNP rs2515486220, ClinGen allele CA404072779.

ClinVar aggregate classification (germline): Uncertain significance (1 of 4 stars; one submission).

Conditions:
Hereditary cancer-predisposing syndrome. Also called: Hereditary Cancer Syndrome; Hereditary neoplastic syndrome; Neoplastic Syndromes, Hereditary; Tumor predisposition. Identifiers: Orphanet 140162, MedGen C0027672, MeSH D009386, MONDO:0015356.

Allele frequency attached by ClinVar (database versions not stated): gnomAD exomes below 0.00001.
gnomAD v4.1: 1 of 1,611,614 alleles (0.000062%); highest among the groups gnomAD compares: Non-Finnish European, 0.000085%; no homozygotes.

Submission:

Ambry Genetics
Classification: Uncertain significance for Hereditary cancer-predisposing syndrome. Last evaluated: 2020-01-29. Review status: criteria provided, single submitter. Criteria: Ambry Variant Classification Scheme 2023. Collection method: clinical testing. Allele origin: germline.
Comment: The p.L1429Q variant (also known as c.4286T>A), located in coding exon 30 of the SMARCA4 gene, results from a T to A substitution at nucleotide position 4286. The leucine at codon 1429 is replaced by glutamine, an amino acid with dissimilar properties. This amino acid position is highly conserved in available vertebrate species. In addition, the in silico prediction for this alteration is inconclusive. Since supporting evidence is limited at this time, the clinical significance of this alteration remains unclear.